The following is an entry in ClinVar:

ClinVar aggregate classification (germline): Uncertain significance. Review status: criteria provided, multiple submitters, no conflicts (2 of 4 stars). 3 submissions from 3 submitters: Uncertain significance (3). Last evaluated 2025-07-14.

Allele frequency attached by ClinVar (database versions not stated): gnomAD exomes below 0.00001.

Submissions (3):

Women's Health and Genetics/Laboratory Corporation of America, LabCorp
Classification: Uncertain significance. Last evaluated: 2025-07-14. Review status: criteria provided, single submitter. Criteria: LabCorp Variant Classification Summary - May 2015. Collection method: clinical testing. Allele origin: germline.
Comment: Variant summary: KMT2B c.1991C>T (p.Ser664Leu) results in a non-conservative amino acid change in the encoded protein sequence. Algorithms developed to predict the effect of missense changes on protein structure and function all suggest that this variant is likely to be disruptive. The variant was absent in 183552 control chromosomes. The available data on variant occurrences in the general population are insufficient to allow any conclusion about variant significance. To our knowledge, no occurrence of c.1991C>T in individuals affected with Dystonia 28, Childhood-Onset and no experimental evidence demonstrating its impact on protein function have been reported. ClinVar contains an entry for this variant (Variation ID: 2889823). Based on the evidence outlined above, the variant was classified as uncertain significance.

Blueprint Genetics
Classification: Uncertain significance. Last evaluated: 2024-09-03. Review status: criteria provided, single submitter. Criteria: ACMG Guidelines, 2015. Collection method: clinical testing. Allele origin: germline.

Labcorp Genetics (formerly Invitae), Labcorp
Classification: Uncertain significance. Last evaluated: 2023-11-25. Review status: criteria provided, single submitter. Criteria: Invitae Variant Classification Sherloc (09022015). Collection method: clinical testing. Allele origin: germline.
Comment: This sequence change replaces serine, which is neutral and polar, with leucine, which is neutral and non-polar, at codon 664 of the KMT2B protein (p.Ser664Leu). This variant is not present in population databases (gnomAD no frequency). This variant has not been reported in the literature in individuals affected with KMT2B-related conditions. Advanced modeling of protein sequence and biophysical properties (such as structural, functional, and spatial information, amino acid conservation, physicochemical variation, residue mobility, and thermodynamic stability) performed at Invitae indicates that this missense variant is not expected to disrupt KMT2B protein function with a negative predictive value of 80%. In summary, the available evidence is currently insufficient to determine the role of this variant in disease. Therefore, it has been classified as a Variant of Uncertain Significance.

NM_014727.3(KMT2B):c.1991C>T (p.Ser664Leu)

Gene: KMT2B (lysine methyltransferase 2B; plus strand). Cytogenetic location: 19q13.12.
Variant type: single nucleotide variant.
Coding change: c.1991C>T on transcript NM_014727.3 (MANE Select); coding-DNA position 1991, C replaced by T.
Protein change: p.Ser664Leu; replaces serine 664 with leucine.
Molecular consequence: missense variant.
Genome position (GRCh38, 1-based): chr19:35,721,338, C>T. VCF-style: chr19-35721338-C-T. GRCh37 (hg19) VCF-style: chr19-36212240-C-T.
Other names: short protein forms S664L.
Identifiers: ClinVar variation 2889823 (VCV002889823.5), dbSNP rs2513317649, ClinGen allele CA405395086.